The following is an entry in ClinVar:

NM_000091.5(COL4A3):c.1124G>A (p.Gly375Asp)

Genes: COL4A3 (collagen type IV alpha 3 chain; plus strand), MFF-DT (MFF divergent transcript; minus strand). Cytogenetic location: 2q36.3.
Variant type: single nucleotide variant.
Coding change: c.1124G>A on transcript NM_000091.5 (MANE Select); coding-DNA position 1124, G replaced by A.
Protein change: p.Gly375Asp; replaces glycine 375 with aspartic acid.
Molecular consequence: missense variant.
Genome position (GRCh38, 1-based): chr2:227,261,091, G>A. VCF-style: chr2-227261091-G-A. GRCh37 (hg19) VCF-style: chr2-228125807-G-A.
Other names: short protein forms G375D.
Identifiers: ClinVar variation 4817142 (VCV004817142.1).

ClinVar aggregate classification (germline): Likely pathogenic (1 of 4 stars; one submission).

Conditions:
Alport syndrome. Also called: Hemorrhagic familial nephritis; Hemorrhagic hereditary nephritis; Congenital hereditary hematuria. Identifiers: Orphanet 63, MedGen C1567741, MONDO:0018965.

Submission:

Natera, Inc.
Classification: Likely pathogenic for Alport syndrome. Last evaluated: 2025-08-21. Review status: criteria provided, single submitter. Criteria: Natera Variant Classification Schema (03/2026). Collection method: clinical testing. Allele origin: germline.
Comment: The c.1124G>A variant in COL4A3 is a missense variant predicted to cause substitution of glycine to aspartic acid at amino acid 375. This variant is rare in the general population with a frequency below the threshold expected for the associated phenotype(s). This variant is located in a functionally critical region of the protein. Computational prediction algorithms indicate this variant is likely to affect gene or protein function. Given the available evidence, this variant is classified as Likely Pathogenic.